The following is an entry in ClinVar:

ClinVar aggregate classification (germline): Likely benign. Review status: criteria provided, multiple submitters, no conflicts (2 of 4 stars). 3 submissions from 3 submitters: Likely benign (2). 1 of the submissions does not count toward it. Last evaluated 2025-10-31.

Conditions:
Joubert syndrome. Also called: JOUBERT-BOLTSHAUSER SYNDROME; Familial aplasia of the vermis. Identifiers: Orphanet 475, MedGen C5979921, MONDO:0018772.
INPP5E-related disorder. Also called: INPP5E-related condition.

Allele frequency attached by ClinVar (database versions not stated): ExAC 0.00003; TOPMed 0.00003; gnomAD 0.00004; gnomAD exomes 0.00004 and 0.00005; ESP Exome Variant Server 0.00023.
gnomAD v4.1: 78 of 1,613,966 alleles (0.0048%); highest among the groups gnomAD compares: Non-Finnish European, 0.0064%; no homozygotes.

Submissions (3):

Labcorp Genetics (formerly Invitae), Labcorp
Classification: Likely benign for Joubert syndrome. Last evaluated: 2025-10-31. Review status: criteria provided, single submitter. Criteria: Invitae Variant Classification Sherloc (09022015). Collection method: clinical testing. Allele origin: germline.

Blueprint Genetics
Classification: Likely benign. Last evaluated: 2022-09-07. Review status: criteria provided, single submitter. Criteria: ACMG Guidelines, 2015. Collection method: clinical testing. Allele origin: germline.

PreventionGenetics, part of Exact Sciences
Classification: Likely benign for INPP5E-related condition. Last evaluated: 2023-03-31. Review status: no assertion criteria provided. Collection method: clinical testing. Allele origin: germline. Not counted in ClinVar's aggregate classification.
Comment: This variant is classified as likely benign based on ACMG/AMP sequence variant interpretation guidelines (Richards et al. 2015 PMID: 25741868, with internal and published modifications).

NM_019892.6(INPP5E):c.1881G>A (p.Gln627=)

Gene: INPP5E (inositol polyphosphate-5-phosphatase E; minus strand). Cytogenetic location: 9q34.3.
Variant type: single nucleotide variant.
Coding change: c.1881G>A on transcript NM_019892.6 (MANE Select); coding-DNA position 1881, G replaced by A.
Protein change: p.Gln627=; no amino-acid change (glutamine 627 retained).
Molecular consequence: synonymous variant.
Genome position (GRCh38, 1-based): chr9:136,429,729, C>T on the plus strand (G>A on the coding strand, the complement: INPP5E is on the minus strand). VCF-style: chr9-136429729-C-T. GRCh37 (hg19) VCF-style: chr9-139324181-C-T.
Other names: c.1881G>A (NM_019892.5); c.1878G>A, p.Gln626= (NM_001318502.2).
Identifiers: ClinVar variation 1636635 (VCV001636635.11), dbSNP rs144720715, ClinGen allele CA5336627.